The following is an entry in ClinVar:

ClinVar aggregate classification (germline): Uncertain significance. Review status: criteria provided, multiple submitters, no conflicts (2 of 4 stars). 2 submissions from 2 submitters: Uncertain significance (2). Last evaluated 2025-06-12.

Conditions:
Long QT syndrome (LQTS). Identifiers: MedGen C0023976, MeSH D008133, MONDO:0002442. Disease mechanism: loss of function. Inheritance: Various modes of inheritance.

Allele frequency attached by ClinVar (database versions not stated): gnomAD exomes 0.00001; TOPMed 0.00001.
gnomAD v4.1: 9 of 1,613,680 alleles (0.00056%); highest among the groups gnomAD compares: Non-Finnish European, 0.00076%; no homozygotes.

Submissions (2):

GeneDx
Classification: Uncertain significance. Last evaluated: 2025-06-12. Review status: criteria provided, single submitter. Criteria: GeneDx Variant Classification Process June 2021. Collection method: clinical testing. Allele origin: germline. Affected: yes.
Comment: Not observed at significant frequency in large population cohorts (gnomAD); In silico analysis supports that this missense variant has a deleterious effect on protein structure/function; Has not been previously published as pathogenic or benign to our knowledge

Labcorp Genetics (formerly Invitae), Labcorp
Classification: Uncertain significance for Long QT syndrome. Last evaluated: 2024-03-21. Review status: criteria provided, single submitter. Criteria: Invitae Variant Classification Sherloc (09022015). Collection method: clinical testing. Allele origin: germline.
Comment: This sequence change replaces threonine, which is neutral and polar, with methionine, which is neutral and non-polar, at codon 900 of the CACNA1C protein (p.Thr900Met). This variant is not present in population databases (gnomAD no frequency). This variant has not been reported in the literature in individuals affected with CACNA1C-related conditions. ClinVar contains an entry for this variant (Variation ID: 1978846). Advanced modeling of protein sequence and biophysical properties (such as structural, functional, and spatial information, amino acid conservation, physicochemical variation, residue mobility, and thermodynamic stability) has been performed at Invitae for this missense variant, however the output from this modeling did not meet the statistical confidence thresholds required to predict the impact of this variant on CACNA1C protein function. In summary, the available evidence is currently insufficient to determine the role of this variant in disease. Therefore, it has been classified as a Variant of Uncertain Significance.

NM_000719.7(CACNA1C):c.2699C>T (p.Thr900Met)

Gene: CACNA1C (calcium voltage-gated channel subunit alpha1 C; plus strand). Cytogenetic location: 12p13.33.
Variant type: single nucleotide variant.
Coding change: c.2699C>T on transcript NM_000719.7 (MANE Select); coding-DNA position 2699, C replaced by T.
Protein change: p.Thr900Met; replaces threonine 900 with methionine.
Molecular consequence: missense variant.
Genome position (GRCh38, 1-based): chr12:2,595,909, C>T. VCF-style: chr12-2595909-C-T. GRCh37 (hg19) VCF-style: chr12-2705075-C-T.
Other names: c.2699C>T, p.Thr900Met (NM_001129827.2, NM_001129829.2, NM_001129830.3 and 18 more transcripts); c.2690C>T, p.Thr897Met (NM_001129844.2); short protein forms T897M, T900M.
Identifiers: ClinVar variation 1978846 (VCV001978846.5), dbSNP rs1027676345, ClinGen allele CA231595967.
Genomic context (GRCh38, chr12:2,595,909, plus strand): 5'-TCCTCCTGTCCCCTCTCCCGTACAGGTTTCGCCTCCAGTGCCACCGCATTGTCAATGACA[C>T]GATCTTCACCAACCTGATCCTCTTCTTCATTCTGCTCAGCAGCATTTCCCTGGCTGCTGA-3'
Protein context (NP_000710.5, residues 890-910): RLQCHRIVND[Thr900Met]IFTNLILFFI